The following is an entry in ClinVar:

ClinVar aggregate classification (germline): Uncertain significance. Review status: criteria provided, multiple submitters, no conflicts (2 of 4 stars). 2 submissions from 2 submitters: Uncertain significance (2). Last evaluated 2025-07-22.

Conditions:
Dystonia 28, childhood-onset (DYT28). Also called: KMT2B-Related Dystonia (DYT-KMT2B). Identifiers: Orphanet 589618, MedGen C4310633, MONDO:0015004, OMIM 617284.

Allele frequency attached by ClinVar (database versions not stated): ExAC 0.00002; gnomAD 0.00003; TOPMed 0.00003; gnomAD exomes 0.00006.

Submissions (2):

Labcorp Genetics (formerly Invitae), Labcorp
Classification: Uncertain significance. Last evaluated: 2025-07-22. Review status: criteria provided, single submitter. Criteria: Invitae Variant Classification Sherloc (09022015). Collection method: clinical testing. Allele origin: germline.
Comment: This sequence change replaces threonine, which is neutral and polar, with methionine, which is neutral and non-polar, at codon 1022 of the KMT2B protein (p.Thr1022Met). The frequency data for this variant in the population databases is considered unreliable, as metrics indicate poor data quality at this position in the gnomAD database. This variant has not been reported in the literature in individuals affected with KMT2B-related conditions. ClinVar contains an entry for this variant (Variation ID: 2041381). Invitae Evidence Modeling of protein sequence and biophysical properties (such as structural, functional, and spatial information, amino acid conservation, physicochemical variation, residue mobility, and thermodynamic stability) indicates that this missense variant is not expected to disrupt KMT2B protein function with a negative predictive value of 80%. In summary, the available evidence is currently insufficient to determine the role of this variant in disease. Therefore, it has been classified as a Variant of Uncertain Significance.

CeGaT Center for Human Genetics Tuebingen
Classification: Uncertain significance. Last evaluated: 2022-10-01. Review status: criteria provided, single submitter. Criteria: CeGaT Center For Human Genetics Tuebingen Variant Classification Criteria Version 2. Collection method: clinical testing. Allele origin: germline. Affected: yes. Observed: 1 variant allele.

NM_014727.3(KMT2B):c.3065C>T (p.Thr1022Met)

Gene: KMT2B (lysine methyltransferase 2B; plus strand). Cytogenetic location: 19q13.12.
Variant type: single nucleotide variant.
Coding change: c.3065C>T on transcript NM_014727.3 (MANE Select); coding-DNA position 3065, C replaced by T.
Protein change: p.Thr1022Met; replaces threonine 1022 with methionine.
Molecular consequence: missense variant.
Genome position (GRCh38, 1-based): chr19:35,723,738, C>T. VCF-style: chr19-35723738-C-T. GRCh37 (hg19) VCF-style: chr19-36214639-C-T.
Other names: c.3065C>T (NM_014727.2); short protein forms T1022M.
Identifiers: ClinVar variation 2041381 (VCV002041381.29), dbSNP rs765234257, ClinGen allele CA9384653.